The following is an entry in ClinVar:

ClinVar aggregate classification (germline): Likely benign. Review status: criteria provided, multiple submitters, no conflicts (2 of 4 stars). 3 submissions from 3 submitters: Likely benign (3). Last evaluated 2026-09-02.

Conditions:
FBLN5-related disorder. Also called: FBLN5-related condition.

Allele frequency attached by ClinVar (database versions not stated): gnomAD 0.00022 and 0.00021; TOPMed 0.00030; 1000 Genomes Project 30x 0.00031; ESP Exome Variant Server 0.00046; gnomAD exomes 0.00005 and 0.00009; ExAC 0.00010; 1000 Genomes Project 0.00020.
gnomAD v4.1: 104 of 1,614,120 alleles (0.0064%); highest among the groups gnomAD compares: African/African-American, 0.072%; 1 homozygote.

Submissions (3):

PreventionGenetics, part of Exact Sciences
Classification: Likely benign for FBLN5-related condition. Last evaluated: 2026-09-02. Review status: criteria provided, single submitter. Criteria: ACMG Guidelines, 2015. Collection method: clinical testing. Allele origin: germline.
Comment: This variant is classified as likely benign based on ACMG/AMP sequence variant interpretation guidelines (Richards et al. 2015 PMID: 25741868, with internal and published modifications).

Labcorp Genetics (formerly Invitae), Labcorp
Classification: Likely benign. Last evaluated: 2025-12-23. Review status: criteria provided, single submitter. Criteria: Invitae Variant Classification Sherloc (09022015). Collection method: clinical testing. Allele origin: germline.

GeneDx
Classification: Likely benign. Last evaluated: 2020-12-31. Review status: criteria provided, single submitter. Criteria: GeneDx Variant Classification Process June 2021. Collection method: clinical testing. Allele origin: germline. Affected: yes.

NM_006329.4(FBLN5):c.471C>T (p.Asp157=)

Gene: FBLN5 (fibulin 5; minus strand). Cytogenetic location: 14q32.12.
Variant type: single nucleotide variant.
Coding change: c.471C>T on transcript NM_006329.4 (MANE Select); coding-DNA position 471, C replaced by T.
Protein change: p.Asp157=; no amino-acid change (aspartic acid 157 retained).
Molecular consequence: synonymous variant.
Genome position (GRCh38, 1-based): chr14:91,894,981, G>A on the plus strand (C>T on the coding strand, the complement: FBLN5 is on the minus strand). VCF-style: chr14-91894981-G-A. GRCh37 (hg19) VCF-style: chr14-92361325-G-A.
Other names: c.594C>T, p.Asp198= (NM_001384158.1); c.522C>T, p.Asp174= (NM_001384159.1); c.471C>T, p.Asp157= (NM_001384160.1); c.303C>T, p.Asp101= (NM_001384161.1, NM_001384162.1).
Identifiers: ClinVar variation 1194689 (VCV001194689.11), dbSNP rs57261194, ClinGen allele CA7312842.